The following is an entry in ClinVar:

NM_000540.3(RYR1):c.5129A>T (p.Tyr1710Phe)

Gene: RYR1 (ryanodine receptor 1; plus strand). Cytogenetic location: 19q13.2.
Variant type: single nucleotide variant.
Coding change: c.5129A>T on transcript NM_000540.3 (MANE Select); coding-DNA position 5129, A replaced by T.
Protein change: p.Tyr1710Phe; replaces tyrosine 1710 with phenylalanine.
Molecular consequence: missense variant.
Genome position (GRCh38, 1-based): chr19:38,485,784, A>T. VCF-style: chr19-38485784-A-T. GRCh37 (hg19) VCF-style: chr19-38976424-A-T.
Other names: c.5129A>T, p.Tyr1710Phe (NM_001042723.2); short protein forms Y1710F.
Identifiers: ClinVar variation 3072926 (VCV003072926.1), dbSNP rs2514227406, ClinGen allele CA405653899.
Genomic context (GRCh38, chr19:38,485,784, plus strand): 5'-AAGCTCAGCTGCTGCACGCCCTGGAGGACGCGCACCTGCCAGGCCCACTGCGCGCAGGCT[A>T]CTATGACCTCCTCATCAGCATCCACCTCGAAAGTGCCTGCCGCAGCCGCCGCTCCATGCT-3'
Protein context (NP_000531.2, residues 1700-1720): AHLPGPLRAG[Tyr1710Phe]YDLLISIHLE

ClinVar aggregate classification (germline): Uncertain significance (1 of 4 stars; one submission).

Conditions:
Malignant hyperthermia, susceptibility to, 1 (MHS1). Also called: Anesthesia related hyperthermia; Malignant hyperpyrexia; Fulminating hyperpyrexia; Pharmacogenic myopathy; RYR1-Related Malignant Hyperthermia Susceptibility; Malignant hyperthermia suceptibility 1. Identifiers: Orphanet 423, MedGen C2930980, MONDO:0007783, OMIM 145600.

Submission:

All of Us Research Program, National Institutes of Health
Classification: Uncertain significance for Malignant hyperthermia, susceptibility to, 1. Last evaluated: 2023-08-15. Review status: criteria provided, single submitter. Criteria: ACMG Guidelines, 2015. Collection method: clinical testing. Allele origin: germline. Inheritance: Autosomal dominant inheritance. Observed: 1 variant allele, 1 heterozygote.
Comment: This missense variant replaces tyrosine with phenylalanine at codon 1710 of the RYR1 protein. Computational prediction suggests that this variant may not impact protein structure and function (internally defined REVEL score threshold <= 0.5, PMID: 27666373). To our knowledge, functional studies have not been reported for this variant. This variant has not been reported in individuals affected with RYR1-related disorders in the literature. This variant has not been identified in the general population by the Genome Aggregation Database (gnomAD). The available evidence is insufficient to determine the role of this variant in disease conclusively. Therefore, this variant is classified as a Variant of Uncertain Significance.

This study involves interpretation of variants in research participants for the purpose of population health screening. Participant phenotype was not available at the time of variant classification. Additional details can be found in publication PMID: 35346344, PMCID: PMC8962531